The following is an entry in ClinVar:

ClinVar aggregate classification (germline): Uncertain significance. Review status: criteria provided, multiple submitters, no conflicts (2 of 4 stars). 2 submissions from 2 submitters: Uncertain significance (2). Last evaluated 2025-11-04.

Allele frequency attached by ClinVar (database versions not stated): gnomAD exomes 0.00002; ExAC 0.00008; gnomAD 0.00011; ESP Exome Variant Server 0.00015; TOPMed 0.00016; 1000 Genomes Project 30x 0.00031; 1000 Genomes Project 0.00040.
gnomAD v4.1: 51 of 1,614,154 alleles (0.0032%); highest among the groups gnomAD compares: African/African-American, 0.049%; no homozygotes.

Submissions (2):

Labcorp Genetics (formerly Invitae), Labcorp
Classification: Uncertain significance. Last evaluated: 2025-11-04. Review status: criteria provided, single submitter. Criteria: Invitae Variant Classification Sherloc (09022015). Collection method: clinical testing. Allele origin: germline.
Comment: This sequence change replaces alanine, which is neutral and non-polar, with threonine, which is neutral and polar, at codon 455 of the CSF2RB protein (p.Ala455Thr). This variant is present in population databases (rs373831495, gnomAD 0.07%), and has an allele count higher than expected for a pathogenic variant. This variant has not been reported in the literature in individuals affected with CSF2RB-related conditions. ClinVar contains an entry for this variant (Variation ID: 1903158). Invitae Evidence Modeling of protein sequence and biophysical properties (such as structural, functional, and spatial information, amino acid conservation, physicochemical variation, residue mobility, and thermodynamic stability) indicates that this missense variant is not expected to disrupt CSF2RB protein function with a negative predictive value of 80%. In summary, the available evidence is currently insufficient to determine the role of this variant in disease. Therefore, it has been classified as a Variant of Uncertain Significance.

GeneDx
Classification: Uncertain significance. Last evaluated: 2025-07-16. Review status: criteria provided, single submitter. Criteria: GeneDx Variant Classification Process June 2021. Collection method: clinical testing. Allele origin: germline. Affected: yes.
Comment: Reported in a patient with Down syndrome who subsequently developed myeloid leukemia (PMID: 31303423); In silico analysis suggests that this missense variant does not alter protein structure/function; This variant is associated with the following publications: (PMID: 31303423)

NM_000395.3(CSF2RB):c.1363G>A (p.Ala455Thr)

Gene: CSF2RB (colony stimulating factor 2 receptor subunit beta; plus strand). Cytogenetic location: 22q12.3.
Variant type: single nucleotide variant.
Coding change: c.1363G>A on transcript NM_000395.3 (MANE Select); coding-DNA position 1363, G replaced by A.
Protein change: p.Ala455Thr; replaces alanine 455 with threonine.
Molecular consequence: missense variant.
Genome position (GRCh38, 1-based): chr22:36,935,398, G>A. VCF-style: chr22-36935398-G-A. GRCh37 (hg19) VCF-style: chr22-37331440-G-A.
Other names: c.1381G>A, p.Ala461Thr (NM_001410827.1); c.1363G>A (NM_000395.2); short protein forms A461T, A455T.
Identifiers: ClinVar variation 1903158 (VCV001903158.6), dbSNP rs373831495, ClinGen allele CA10213810.